The following is an entry in ClinVar:

NM_001322934.2(NFKB2):c.1821A>G (p.Ala607=)

Gene: NFKB2 (nuclear factor kappa B subunit 2; plus strand). Cytogenetic location: 10q24.32.
Variant type: single nucleotide variant.
Coding change: c.1821A>G on transcript NM_001322934.2 (MANE Select); coding-DNA position 1821, A replaced by G.
Protein change: p.Ala607=; no amino-acid change (alanine 607 retained).
Molecular consequence: synonymous variant. On other transcripts: no sequence alteration (3).
Genome position (GRCh38, 1-based): chr10:102,400,677, A>G. VCF-style: chr10-102400677-A-G. GRCh37 (hg19) VCF-style: chr10-104160434-A-G.
Other names: c.1821=, p.Ala607= (NM_001077494.3, NM_001288724.1); c.1821A>G, p.Ala607= (NM_001261403.3, NM_002502.6); c.1695=, p.Ala565= (NM_001322935.1); c.1821G>G (NM_001077494.3).
Identifiers: ClinVar variation 403234 (VCV000403234.21), dbSNP rs4919634, ClinGen allele CA5664905.

ClinVar aggregate classification (germline): Benign/Likely benign. Review status: criteria provided, multiple submitters, no conflicts (2 of 4 stars). 9 submissions from 9 submitters: Benign (6); Likely benign (1). 2 of the submissions do not count toward it. Last evaluated 2026-02-04.

Conditions:
Immunodeficiency, common variable, 10. Also called: IMMUNODEFICIENCY, COMMON VARIABLE, WITH CENTRAL ADRENAL INSUFFICIENCY; DEFICIT IN ANTERIOR PITUITARY FUNCTION AND VARIABLE IMMUNODEFICIENCY. Identifiers: MedGen C3809991, MONDO:0014260, OMIM 615577.

Allele frequency attached by ClinVar (database versions not stated): 1000 Genomes Project 30x 0.98579; 1000 Genomes Project 0.98682; TOPMed 0.98841; ESP Exome Variant Server 0.98948; ExAC 0.99677; gnomAD exomes 0.99720 and 0.99887.
gnomAD v4.1: 1,610,698 of 1,614,014 alleles (100%); highest among the groups gnomAD compares: East Asian, 100%; 803,752 homozygotes.

Submissions (9):

Labcorp Genetics (formerly Invitae), Labcorp
Classification: Benign for Immunodeficiency, common variable, 10. Last evaluated: 2026-02-04. Review status: criteria provided, single submitter. Criteria: Invitae Variant Classification Sherloc (09022015). Collection method: clinical testing. Allele origin: germline.

Women's Health and Genetics/Laboratory Corporation of America, LabCorp
Classification: Benign. Last evaluated: 2026-01-21. Review status: criteria provided, single submitter. Criteria: LabCorp Variant Classification Summary - May 2015. Collection method: clinical testing. Allele origin: germline.

Blueprint Genetics
Classification: Likely benign. Last evaluated: 2024-11-27. Review status: criteria provided, single submitter. Criteria: ACMG Guidelines, 2015. Collection method: clinical testing. Allele origin: germline.

Unidad de Genómica Garrahan, Hospital de Pediatría Garrahan
Classification: Benign. Last evaluated: 2023-11-02. Review status: criteria provided, single submitter. Criteria: ACMG Guidelines, 2015. Collection method: clinical testing. Allele origin: germline. Affected: no. Observed: 96 variant alleles.
Comment: This variant is classified as Benign based on local population frequency. This variant was detected in 100% of patients studied by a panel of primary immunodeficiencies. Number of patients: 96. Only high quality variants are reported.

Genome-Nilou Lab
Classification: Benign for Immunodeficiency, common variable, 10. Last evaluated: 2021-09-05. Review status: criteria provided, single submitter. Criteria: ACMG Guidelines, 2015. Collection method: clinical testing. Allele origin: germline. Affected: no.

Laboratory for Molecular Medicine, Mass General Brigham Personalized Medicine
Classification: Benign. Last evaluated: 2016-03-28. Review status: criteria provided, single submitter. Criteria: LMM Criteria. Collection method: clinical testing. Allele origin: germline.
Comment: Variant identified in a genome or exome case(s) and assessed due to predicted null impact of the variant or pathogenic assertions in the literature or databases. Disclaimer: This variant has not undergone full assessment. The following are preliminary notes: MAF

Breakthrough Genomics
Classification: Benign. Review status: criteria provided, single submitter. Criteria: ACMG Guidelines, 2015. Collection method: not provided. Allele origin: germline. Inheritance: Autosomal dominant inheritance. Affected: yes.

Clinical Genetics, Academic Medical Center
Classification: Benign. Review status: no assertion criteria provided. Collection method: clinical testing. Allele origin: germline. Affected: yes. Study: VKGL Data-share Consensus. Not counted in ClinVar's aggregate classification.

Diagnostic Laboratory, Department of Genetics, University Medical Center Groningen
Classification: Benign. Review status: no assertion criteria provided. Collection method: clinical testing. Allele origin: germline. Affected: yes. Study: VKGL Data-share Consensus. Not counted in ClinVar's aggregate classification.